The following is an entry in ClinVar:

ClinVar aggregate classification (germline): Uncertain significance (1 of 4 stars; one submission).

Conditions:
Chopra-Amiel-Gordon syndrome (CAGS). Also called: ANKRD17-Related Neurodevelopmental Syndrome. Identifiers: MedGen C5561975, MONDO:0859186, OMIM 619504.

Submission:

Victorian Clinical Genetics Services, Murdoch Childrens Research Institute
Classification: Uncertain significance for Chopra-Amiel-Gordon syndrome. Last evaluated: 2025-04-16. Review status: criteria provided, single submitter. Criteria: ACMG Guidelines, 2015. Collection method: clinical testing. Allele origin: germline. Affected: yes.
Comment: This variant is classified as VUS-3B. Evidence in support of pathogenic classification: Variant is absent from gnomAD (v2, v3 and v4). Additional information: Variant is predicted to result in a missense amino acid change from aspartic acid to glycine; This variant is heterozygous; This gene is associated with autosomal dominant disease; This variant has no previous evidence of pathogenicity; No published segregation evidence has been identified for this variant; No published functional evidence has been identified for this variant; No comparable missense variants have previous evidence for pathogenicity; Variant is located in an annotated ankyrin repeat motif (DECIPHER); Missense variant with inconclusive in silico prediction and uninformative conservation; Loss of function is a known mechanism of disease in this gene and is associated with Chopra-Amiel-Gordon syndrome (MIM#619504).

NM_032217.5(ANKRD17):c.3422A>G (p.Asp1141Gly)

Gene: ANKRD17 (ankyrin repeat domain 17; minus strand). Cytogenetic location: 4q13.3.
Variant type: single nucleotide variant.
Coding change: c.3422A>G on transcript NM_032217.5 (MANE Select); coding-DNA position 3422, A replaced by G.
Protein change: p.Asp1141Gly; replaces aspartic acid 1141 with glycine.
Molecular consequence: missense variant.
Genome position (GRCh38, 1-based): chr4:73,124,983, T>C on the plus strand (A>G on the coding strand, the complement: ANKRD17 is on the minus strand). VCF-style: chr4-73124983-T-C. GRCh37 (hg19) VCF-style: chr4-73990700-T-C.
Other names: c.3083A>G, p.Asp1028Gly (NM_001286771.3); c.3419A>G, p.Asp1140Gly (NM_015574.2); c.2669A>G, p.Asp890Gly (NM_198889.3); short protein forms D1028G, D1140G, D1141G, D890G.
Identifiers: ClinVar variation 4531945 (VCV004531945.1).